The following is an entry in ClinVar:

NM_014889.4(PITRM1):c.2825C>T (p.Ala942Val)

Gene: PITRM1 (pitrilysin metallopeptidase 1; minus strand). Cytogenetic location: 10p15.2.
Variant type: single nucleotide variant.
Coding change: c.2825C>T on transcript NM_014889.4 (MANE Select); coding-DNA position 2825, C replaced by T.
Protein change: p.Ala942Val; replaces alanine 942 with valine.
Molecular consequence: missense variant. On other transcripts: non-coding transcript variant (4).
Genome position (GRCh38, 1-based): chr10:3,138,996, G>A on the plus strand (C>T on the coding strand, the complement: PITRM1 is on the minus strand). VCF-style: chr10-3138996-G-A. GRCh37 (hg19) VCF-style: chr10-3181188-G-A.
Other names: c.2828C>T, p.Ala943Val (NM_001242307.2); c.2531C>T, p.Ala844Val (NM_001242309.1); c.2627C>T, p.Ala876Val (NM_001347725.2); c.2012C>T, p.Ala671Val (NM_001347726.2); c.2210C>T, p.Ala737Val (NM_001347727.2); c.1520C>T, p.Ala507Val (NM_001347728.2); c.2801C>T, p.Ala934Val (NM_001347729.1); c.2603C>T, p.Ala868Val (NM_001347730.1); and 1 more; short protein forms A671V, A737V, A868V, A934V, A942V, A943V, A507V, A844V.
Identifiers: ClinVar variation 1412231 (VCV001412231.6), dbSNP rs199538770, ClinGen allele CA5387194.
Genomic context (GRCh38, chr10:3,138,996, plus strand): 5'-GTTGAGAAGACAGAAAGTTTGGCTTCGTCGATGTCTTGCTGTGTGAATTTTCCAGACTTA[G>A]CCCAGTCGACAGCCTTCCCAAAAGACTGGAGCGTCTCTATTGTATTTGGGTCCCTAGGAA-3'
Protein context (NP_055704.2, residues 932-952): LQSFGKAVDW[Ala942Val]KSGKFTQQDI

ClinVar aggregate classification (germline): Uncertain significance. Review status: criteria provided, multiple submitters, no conflicts (2 of 4 stars). 3 submissions from 3 submitters: Uncertain significance (3). Last evaluated 2026-04-06.

Allele frequency attached by ClinVar (database versions not stated): gnomAD exomes 0.00027 and 0.00025; TOPMed 0.00042; ExAC 0.00022; gnomAD 0.00033 and 0.00034; 1000 Genomes Project 30x 0.00016; ESP Exome Variant Server 0.00033.
gnomAD v4.1: 456 of 1,613,752 alleles (0.028%); highest among the groups gnomAD compares: Admixed American, 0.068%; 2 homozygotes.

Submissions (3):

Ambry Genetics
Classification: Uncertain significance. Last evaluated: 2026-04-06. Review status: criteria provided, single submitter. Criteria: Ambry Variant Classification Scheme 2023. Collection method: clinical testing. Allele origin: germline.
Comment: The c.2828C>T (p.A943V) alteration is located in exon 25 (coding exon 25) of the PITRM1 gene. This alteration results from a C to T substitution at nucleotide position 2828, causing the alanine (A) at amino acid position 943 to be replaced by a valine (V). Based on data from gnomAD, the T allele has an overall frequency of 0.026% (73/280684) total alleles studied. The highest observed frequency was 0.062% (22/35376) of Latino alleles. Based on insufficient or conflicting evidence, the clinical significance of this alteration remains unclear.

Labcorp Genetics (formerly Invitae), Labcorp
Classification: Uncertain significance. Last evaluated: 2022-10-24. Review status: criteria provided, single submitter. Criteria: Invitae Variant Classification Sherloc (09022015). Collection method: clinical testing. Allele origin: germline.
Comment: This sequence change replaces alanine, which is neutral and non-polar, with valine, which is neutral and non-polar, at codon 844 of the PITRM1 protein (p.Ala844Val). This variant is present in population databases (rs199538770, gnomAD 0.07%). This variant has not been reported in the literature in individuals affected with PITRM1-related conditions. ClinVar contains an entry for this variant (Variation ID: 1412231). Algorithms developed to predict the effect of missense changes on protein structure and function are either unavailable or do not agree on the potential impact of this missense change (SIFT: "Tolerated"; PolyPhen-2: "Possibly Damaging"; Align-GVGD: "Class C0"). In summary, the available evidence is currently insufficient to determine the role of this variant in disease. Therefore, it has been classified as a Variant of Uncertain Significance.

Breakthrough Genomics
Classification: Uncertain significance. Review status: criteria provided, single submitter. Criteria: ACMG Guidelines, 2015. Collection method: not provided. Allele origin: germline. Inheritance: Autosomal recessive inheritance. Affected: yes.